The following is an entry in ClinVar:

ClinVar aggregate classification (germline): Uncertain significance. Review status: criteria provided, multiple submitters, no conflicts (2 of 4 stars). 3 submissions from 3 submitters: Uncertain significance (3). Last evaluated 2025-05-06.

Conditions:
Congenital glucose-galactose malabsorption (GGM). Also called: DIARRHEA 16; MONOSACCHARIDE MALABSORPTION. Identifiers: Orphanet 35710, MedGen C0268186, MONDO:0011731, OMIM 606824.
Inborn genetic diseases. Identifiers: MedGen C0950123, MeSH D030342.

gnomAD v4.1: 137 of 1,614,012 alleles (0.0085%); highest among the groups gnomAD compares: Middle Eastern, 0.016%; no homozygotes.

Submissions (3):

Ambry Genetics
Classification: Uncertain significance for Inborn genetic diseases. Last evaluated: 2025-05-06. Review status: criteria provided, single submitter. Criteria: Ambry Variant Classification Scheme 2023. Collection method: clinical testing. Allele origin: germline.

Labcorp Genetics (formerly Invitae), Labcorp
Classification: Uncertain significance for Congenital glucose-galactose malabsorption. Last evaluated: 2024-10-22. Review status: criteria provided, single submitter. Criteria: Invitae Variant Classification Sherloc (09022015). Collection method: clinical testing. Allele origin: germline.
Comment: This sequence change replaces proline, which is neutral and non-polar, with alanine, which is neutral and non-polar, at codon 639 of the SLC5A1 protein (p.Pro639Ala). This variant is present in population databases (rs200684333, gnomAD 0.01%). This variant has not been reported in the literature in individuals affected with SLC5A1-related conditions. ClinVar contains an entry for this variant (Variation ID: 1434821). Invitae Evidence Modeling of protein sequence and biophysical properties (such as structural, functional, and spatial information, amino acid conservation, physicochemical variation, residue mobility, and thermodynamic stability) has been performed for this missense variant. However, the output from this modeling did not meet the statistical confidence thresholds required to predict the impact of this variant on SLC5A1 protein function. In summary, the available evidence is currently insufficient to determine the role of this variant in disease. Therefore, it has been classified as a Variant of Uncertain Significance.

Fulgent Genetics
Classification: Uncertain significance for Congenital glucose-galactose malabsorption. Last evaluated: 2024-06-17. Review status: criteria provided, single submitter. Criteria: ACMG Guidelines, 2015. Collection method: clinical testing. Allele origin: germline.

NM_000343.4(SLC5A1):c.1915C>G (p.Pro639Ala)

Gene: SLC5A1 (solute carrier family 5 member 1; plus strand). Cytogenetic location: 22q12.3.
Variant type: single nucleotide variant.
Coding change: c.1915C>G on transcript NM_000343.4 (MANE Select); coding-DNA position 1915, C replaced by G.
Protein change: p.Pro639Ala; replaces proline 639 with alanine.
Molecular consequence: missense variant.
Genome position (GRCh38, 1-based): chr22:32,110,133, C>G. VCF-style: chr22-32110133-C-G. GRCh37 (hg19) VCF-style: chr22-32506120-C-G.
Other names: c.1534C>G, p.Pro512Ala (NM_001256314.2); c.1915C>G (NM_000343.3); short protein forms P639A, P512A.
Identifiers: ClinVar variation 1434821 (VCV001434821.9), dbSNP rs200684333, ClinGen allele CA10198361.
Genomic context (GRCh38, chr22:32,110,133, plus strand): 5'-AAGATGACTGAGGAAGAGGAGAAAGCCATGAAGATGAAGATGACGGACACCTCTGAGAAG[C>G]CTTTGTGGAGGACAGTGTTGAACGTCAATGGCATCATCCTGGTGACCGTGGCTGTCTTTT-3'
Protein context (NP_000334.1, residues 629-649): KMKMTDTSEK[Pro639Ala]LWRTVLNVNG